The following is an entry in ClinVar:

NM_004260.4(RECQL4):c.2137A>C (p.Thr713Pro)

Gene: RECQL4 (RecQ like helicase 4; minus strand). Cytogenetic location: 8q24.3.
Variant type: single nucleotide variant.
Coding change: c.2137A>C on transcript NM_004260.4 (MANE Select); coding-DNA position 2137, A replaced by C.
Protein change: p.Thr713Pro; replaces threonine 713 with proline.
Molecular consequence: missense variant.
Genome position (GRCh38, 1-based): chr8:144,513,634, T>G on the plus strand (A>C on the coding strand, the complement: RECQL4 is on the minus strand). VCF-style: chr8-144513634-T-G. GRCh37 (hg19) VCF-style: chr8-145739018-T-G.
Other names: short protein forms T713P.
Identifiers: ClinVar variation 1027078 (VCV001027078.5), dbSNP rs760077772, ClinGen allele CA4948452.
Genomic context (GRCh38, chr8:144,513,634, plus strand): 5'-CAGACCCTGGGACCCAGGCTGCGTGCAGGCAGGTTCGGAGGAGCGCAGCGATCCGCTCTG[T>G]GTCCTCGCGCCGGTTGCAGTAAATGATAATGGAATCGAGGTTTTGAAAACGTTTGCCTTG-3'
Protein context (NP_004251.4, residues 703-723): IIIYCNRRED[Thr713Pro]ERIAALLRTC

ClinVar aggregate classification (germline): Uncertain significance (1 of 4 stars; one submission).

Conditions:
Baller-Gerold syndrome (BGS). Also called: CRANIOSYNOSTOSIS WITH RADIAL DEFECTS. Identifiers: Orphanet 1225, MedGen C0265308, MONDO:0009039, OMIM 218600.

Allele frequency attached by ClinVar (database versions not stated): ExAC 0.00002.
gnomAD v4.1: 2 of 1,595,268 alleles (0.00013%); highest among the groups gnomAD compares: East Asian, 0.0045%; no homozygotes.

Submission:

Labcorp Genetics (formerly Invitae), Labcorp
Classification: Uncertain significance for Baller-Gerold syndrome. Last evaluated: 2022-05-13. Review status: criteria provided, single submitter. Criteria: Invitae Variant Classification Sherloc (09022015). Collection method: clinical testing. Allele origin: germline.
Comment: This sequence change replaces threonine, which is neutral and polar, with proline, which is neutral and non-polar, at codon 713 of the RECQL4 protein (p.Thr713Pro). This variant is present in population databases (rs760077772, gnomAD 0.007%). This variant has not been reported in the literature in individuals affected with RECQL4-related conditions. ClinVar contains an entry for this variant (Variation ID: 1027078). In summary, the available evidence is currently insufficient to determine the role of this variant in disease. Therefore, it has been classified as a Variant of Uncertain Significance.